The following is an entry in ClinVar:

NM_000202.8(IDS):c.1221del (p.Thr409fs)

Gene: IDS (iduronate 2-sulfatase; minus strand). Cytogenetic location: Xq28.
Variant type: Deletion.
Coding change: c.1221del on transcript NM_000202.8 (MANE Select); coding-DNA position 1221, one base deleted (T; older notation c.1221delT).
Protein change: p.Thr409fs; shifts the reading frame from threonine 409.
Molecular consequence: frameshift variant.
Genome position (GRCh38, 1-based): chrX:149,483,178, A deleted on the plus strand (T on the coding strand, the reverse complement: IDS is on the minus strand); the first of 5 consecutive A bases (chrX:149,483,178-149,483,182); deleting any one gives the same sequence. VCF-style (leftmost placement, unchanged base first): chrX-149483177-GA-G. GRCh37 (hg19) VCF-style: chrX-148564708-GA-G.
Other names: c.951del, p.Thr319fs (NM_001166550.4); short protein forms T319fs, T409fs.
Identifiers: ClinVar variation 988695 (VCV000988695.4), dbSNP rs2089308131, ClinGen allele CA2465004082.

ClinVar aggregate classification (germline): Pathogenic. Review status: criteria provided, multiple submitters, no conflicts (2 of 4 stars). 3 submissions from 3 submitters: Pathogenic (2). 1 of the submissions does not count toward it. Last evaluated 2025-02-11.

Conditions:
Mucopolysaccharidosis, MPS-II (MPS2). Also called: IDS deficiency; Sulfoiduronate sulfatase deficiency; SIDS deficiency; Mucopolysaccharidosis type 2; Mucopolysaccharidosis Type II; Attenuated MPS (subtype; formerly known as mild MPS II). Identifiers: Orphanet 580, Orphanet 79388, MedGen C0026705, MONDO:0010674, OMIM 309900.

Submissions (3):

Labcorp Genetics (formerly Invitae), Labcorp
Classification: Pathogenic for Mucopolysaccharidosis, MPS-II. Last evaluated: 2025-02-11. Review status: criteria provided, single submitter. Criteria: Invitae Variant Classification Sherloc (09022015). Collection method: clinical testing. Allele origin: germline.
Comment: This sequence change creates a premature translational stop signal (p.Thr409Argfs*31) in the IDS gene. While this is not anticipated to result in nonsense mediated decay, it is expected to disrupt the last 142 amino acid(s) of the IDS protein. This variant is not present in population databases (gnomAD no frequency). This premature translational stop signal has been observed in individual(s) with mucopolysaccharidosis type II (PMID: 34193122). ClinVar contains an entry for this variant (Variation ID: 988695). This variant disrupts a region of the IDS protein in which other variant(s) (p.Arg443*) have been determined to be pathogenic (PMID: 1303211, 18500569, 21291454, 21829674, 27146977). This suggests that this is a clinically significant region of the protein, and that variants that disrupt it are likely to be disease-causing. For these reasons, this variant has been classified as Pathogenic.

Laboratory of Diagnosis and Therapy of Lysosomal Disorders, University of Padova
Classification: Pathogenic for Mucopolysaccharidosis, MPS-II. Last evaluated: 2024-06-07. Review status: criteria provided, single submitter. Criteria: ACMG Guidelines, 2015. Collection method: literature only. Allele origin: germline. Affected: yes. Observed: 1 variant allele.
Comment: Null variant (PVS1_Strong), Absent from controls (or at low frequency) in gnomAD database (PM2_Moderate), Patient’s phenotype or family history highly specific for the disease (PP4_Strong)

Classification method: ACMG Guidelines [PMID:25741868] with modifications

Laboratory of Inherited Metabolic Diseases, Research centre for medical genetics
Classification: Pathogenic for Mucopolysaccharidosis, type II; MPS2. Review status: no assertion criteria provided. Collection method: research. Allele origin: germline. Affected: yes. Not counted in ClinVar's aggregate classification.

Literature cited by the submitters: PubMed 34193122 (cited by Labcorp Genetics (formerly Invitae), Labcorp); PubMed 1303211 (cited by Labcorp Genetics (formerly Invitae), Labcorp); PubMed 18500569 (cited by Labcorp Genetics (formerly Invitae), Labcorp); PubMed 21291454 (cited by Labcorp Genetics (formerly Invitae), Labcorp); PubMed 21829674 (cited by Labcorp Genetics (formerly Invitae), Labcorp); PubMed 27146977 (cited by Labcorp Genetics (formerly Invitae), Labcorp); PubMed 33676511 (cited by Laboratory of Diagnosis and Therapy of Lysosomal Disorders, University of Padova).